The following is an entry in ClinVar:

NM_002430.3(MN1):c.2560C>T (p.Pro854Ser)

Gene: MN1 (MN1 proto-oncogene, transcriptional regulator; minus strand). Cytogenetic location: 22q12.1.
Variant type: single nucleotide variant.
Coding change: c.2560C>T on transcript NM_002430.3 (MANE Select); coding-DNA position 2560, C replaced by T.
Protein change: p.Pro854Ser; replaces proline 854 with serine.
Molecular consequence: missense variant.
Genome position (GRCh38, 1-based): chr22:27,797,984, G>A on the plus strand (C>T on the coding strand, the complement: MN1 is on the minus strand). VCF-style: chr22-27797984-G-A. GRCh37 (hg19) VCF-style: chr22-28193972-G-A.
Other names: short protein forms P854S.
Identifiers: ClinVar variation 3367549 (VCV003367549.1).

ClinVar aggregate classification (germline): Uncertain significance (1 of 4 stars; one submission).

gnomAD v4.1: 1 of 1,593,932 alleles (0.000063%); highest among the groups gnomAD compares: Non-Finnish European, 0.000085%; no homozygotes.

Submission:

GeneDx
Classification: Uncertain significance. Last evaluated: 2024-01-05. Review status: criteria provided, single submitter. Criteria: GeneDx Variant Classification Process June 2021. Collection method: clinical testing. Allele origin: germline. Affected: yes.
Comment: Not observed at significant frequency in large population cohorts (gnomAD); In silico analysis supports that this missense variant has a deleterious effect on protein structure/function; Has not been previously published as pathogenic or benign to our knowledge